The following is an entry in ClinVar:

NM_000179.3(MSH6):c.2275C>G (p.Leu759Val)

Gene: MSH6 (mutS homolog 6; plus strand). Cytogenetic location: 2p16.3.
Variant type: single nucleotide variant.
Coding change: c.2275C>G on transcript NM_000179.3 (MANE Select); coding-DNA position 2275, C replaced by G.
Protein change: p.Leu759Val; replaces leucine 759 with valine.
Molecular consequence: missense variant.
Genome position (GRCh38, 1-based): chr2:47,800,258, C>G. VCF-style: chr2-47800258-C-G. GRCh37 (hg19) VCF-style: chr2-48027397-C-G.
Other names: c.1885C>G, p.Leu629Val (NM_001281492.2); c.1369C>G, p.Leu457Val (NM_001281493.2, NM_001281494.2); short protein forms L629V, L457V, L759V.
Identifiers: ClinVar variation 919663 (VCV000919663.9), dbSNP rs1669442548, ClinGen allele CA346752861.

ClinVar aggregate classification (germline): Uncertain significance. Review status: criteria provided, multiple submitters, no conflicts (2 of 4 stars). 5 submissions from 5 submitters: Uncertain significance (5). Last evaluated 2024-03-29.

Conditions:
Lynch syndrome 5 (LYNCH5). Also called: Colorectal cancer, hereditary nonpolyposis, type 5; Hereditary non-polyposis colorectal cancer, type 5. Identifiers: Orphanet 144, MedGen C1833477, MONDO:0013710, OMIM 614350. Disease mechanism: loss of function.
Hereditary nonpolyposis colorectal neoplasms. Identifiers: MedGen C0009405, MeSH D003123.
Endometrial carcinoma. Also called: Endometrial carcinoma, somatic. Identifiers: MedGen C0476089, MONDO:0002447, OMIM 608089, HP:0012114.
Hereditary cancer-predisposing syndrome. Also called: Neoplastic Syndromes, Hereditary; Tumor predisposition; Hereditary Cancer Syndrome; Hereditary neoplastic syndrome. Identifiers: Orphanet 140162, MedGen C0027672, MeSH D009386, MONDO:0015356.

Submissions (5):

Labcorp Genetics (formerly Invitae), Labcorp
Classification: Uncertain significance for Hereditary nonpolyposis colorectal neoplasms. Last evaluated: 2024-03-29. Review status: criteria provided, single submitter. Criteria: Invitae Variant Classification Sherloc (09022015). Collection method: clinical testing. Allele origin: germline.
Comment: This sequence change replaces leucine, which is neutral and non-polar, with valine, which is neutral and non-polar, at codon 759 of the MSH6 protein (p.Leu759Val). This variant is not present in population databases (gnomAD no frequency). This variant has not been reported in the literature in individuals affected with MSH6-related conditions. ClinVar contains an entry for this variant (Variation ID: 919663). Advanced modeling of protein sequence and biophysical properties (such as structural, functional, and spatial information, amino acid conservation, physicochemical variation, residue mobility, and thermodynamic stability) performed at Invitae indicates that this missense variant is not expected to disrupt MSH6 protein function with a negative predictive value of 95%. In summary, the available evidence is currently insufficient to determine the role of this variant in disease. Therefore, it has been classified as a Variant of Uncertain Significance.

Color Diagnostics, LLC DBA Color Health
Classification: Uncertain significance for Hereditary cancer-predisposing syndrome. Last evaluated: 2023-12-04. Review status: criteria provided, single submitter. Criteria: ACMG Guidelines, 2015. Collection method: clinical testing. Allele origin: germline.
Comment: This missense variant replaces leucine with valine at codon 759 of the MSH6 protein. Computational prediction is inconclusive regarding the impact of this variant on protein structure and function (internally defined REVEL score threshold 0.5 < inconclusive < 0.7, PMID: 27666373). To our knowledge, functional studies have not been reported for this variant. This variant has not been reported in individuals affected with MSH6-related disorders in the literature. This variant has not been identified in the general population by the Genome Aggregation Database (gnomAD). The available evidence is insufficient to determine the role of this variant in disease conclusively. Therefore, this variant is classified as a Variant of Uncertain Significance.

Baylor Genetics
Classification: Uncertain significance for Endometrial carcinoma. Last evaluated: 2023-11-21. Review status: criteria provided, single submitter. Criteria: ACMG Guidelines, 2015. Collection method: clinical testing. Allele origin: unknown.

GeneDx
Classification: Uncertain significance. Last evaluated: 2022-01-07. Review status: criteria provided, single submitter. Criteria: GeneDx Variant Classification Process June 2021. Collection method: clinical testing. Allele origin: germline. Affected: yes.
Comment: Not observed at significant frequency in large population cohorts (gnomAD); In silico analysis supports that this missense variant does not alter protein structure/function; Has not been previously published as pathogenic or benign to our knowledge; This variant is associated with the following publications: (PMID: 17531815, 21120944)

Neuberg Centre For Genomic Medicine, NCGM
Classification: Uncertain significance for Lynch syndrome 5. Review status: criteria provided, single submitter. Criteria: ACMG Guidelines, 2015. Collection method: clinical testing. Allele origin: germline. Inheritance: Autosomal dominant inheritance. Affected: yes.
Comment: The missense variant p.L759V in MSH6 (NM_000179.3) has not been reported previously as a pathogenic variant nor as a benign variant, to our knowledge. It has been submitted to ClinVar as Uncertain Significance but there are no details for independent assessment. The p.L759V variant is novel (not in any individuals) in gnomAD Exomes and is novel (not in any individuals) in 1000 Genomes. There is a small physicochemical difference between leucine and valine, which is not likely to impact secondary protein structure as these residues share similar properties. For these reasons, this variant has been classified as Uncertain Significance